The following is an entry in ClinVar:

NM_002470.4(MYH3):c.3943G>A (p.Glu1315Lys)

Gene: MYH3 (myosin heavy chain 3; minus strand). Cytogenetic location: 17p13.1.
Variant type: single nucleotide variant.
Coding change: c.3943G>A on transcript NM_002470.4 (MANE Select); coding-DNA position 3943, G replaced by A.
Protein change: p.Glu1315Lys; replaces glutamic acid 1315 with lysine.
Molecular consequence: missense variant.
Genome position (GRCh38, 1-based): chr17:10,635,767, C>T on the plus strand (G>A on the coding strand, the complement: MYH3 is on the minus strand). VCF-style: chr17-10635767-C-T. GRCh37 (hg19) VCF-style: chr17-10539084-C-T.
Other names: short protein forms E1315K.
Identifiers: ClinVar variation 2872151 (VCV002872151.3), dbSNP rs2074209027, ClinGen allele CA398147069.

ClinVar aggregate classification (germline): Uncertain significance (1 of 4 stars; one submission).

Submission:

Labcorp Genetics (formerly Invitae), Labcorp
Classification: Uncertain significance. Last evaluated: 2023-08-19. Review status: criteria provided, single submitter. Criteria: Invitae Variant Classification Sherloc (09022015). Collection method: clinical testing. Allele origin: germline.
Comment: In summary, the available evidence is currently insufficient to determine the role of this variant in disease. Therefore, it has been classified as a Variant of Uncertain Significance. Advanced modeling of protein sequence and biophysical properties (such as structural, functional, and spatial information, amino acid conservation, physicochemical variation, residue mobility, and thermodynamic stability) performed at Invitae indicates that this missense variant is not expected to disrupt MYH3 protein function. This variant has not been reported in the literature in individuals affected with MYH3-related conditions. This variant is not present in population databases (gnomAD no frequency). This sequence change replaces glutamic acid, which is acidic and polar, with lysine, which is basic and polar, at codon 1315 of the MYH3 protein (p.Glu1315Lys).